The following is an entry in ClinVar:

NM_017780.4(CHD7):c.7164+1G>A

Gene: CHD7 (chromodomain helicase DNA binding protein 7; plus strand). Cytogenetic location: 8q12.2.
Variant type: single nucleotide variant.
Coding change: c.7164+1G>A on transcript NM_017780.4 (MANE Select); the canonical splice donor site of the intron after coding-DNA position 7164, G replaced by A.
Molecular consequence: splice donor variant. On other transcripts: intron variant (1).
Genome position (GRCh38, 1-based): chr8:60,856,203, G>A. VCF-style: chr8-60856203-G-A. GRCh37 (hg19) VCF-style: chr8-61768762-G-A.
Other names: c.1717-6026G>A (NM_001316690.1).
Identifiers: ClinVar variation 1333571 (VCV001333571.3), dbSNP rs2129644267, ClinGen allele CA371299554.

ClinVar aggregate classification (germline): Pathogenic/Likely pathogenic. Review status: criteria provided, multiple submitters, no conflicts (2 of 4 stars). 3 submissions from 3 submitters: Pathogenic (1); Likely pathogenic (2). Last evaluated 2023-03-23.

Conditions:
CHARGE syndrome (CHARGE). Also called: Hittner Hirsch Kreh syndrome; CHARGE ASSOCIATION--COLOBOMA, HEART ANOMALY, CHOANAL ATRESIA, RETARDATION, GENITAL AND EAR ANOMALIES; Coloboma, heart anomaly, choanal atresia, retardation, genital and ear anomalies; CHARGE association; Hall-Hittner syndrome. Identifiers: Orphanet 138, MedGen C0265354, MONDO:0008965.

Allele frequency attached by ClinVar (database versions not stated): gnomAD exomes below 0.00001.
gnomAD v4.1: 1 of 1,573,922 alleles (0.000064%); highest among the groups gnomAD compares: Non-Finnish European, 0.000086%; no homozygotes.

Submissions (3):

Equipe Genetique des Anomalies du Developpement, Université de Bourgogne
Classification: Pathogenic for CHD7-related CHARGE syndrome. Last evaluated: 2023-03-23. Review status: criteria provided, single submitter. Criteria: ACMG Guidelines, 2015. Collection method: clinical testing. Allele origin: de novo. Inheritance: Autosomal dominant inheritance. Affected: yes.

GeneDx
Classification: Likely pathogenic. Last evaluated: 2022-05-19. Review status: criteria provided, single submitter. Criteria: GeneDx Variant Classification Process June 2021. Collection method: clinical testing. Allele origin: germline. Affected: yes.
Comment: Canonical splice site variant expected to result in aberrant splicing, although in the absence of functional evidence the actual effect of this sequence change is unknown.; Not observed at significant frequency in large population cohorts (gnomAD); This variant is associated with the following publications: (PMID: 26921530, 22461308)

3billion
Classification: Likely pathogenic for CHD7-related CHARGE syndrome. Last evaluated: 2022-01-03. Review status: criteria provided, single submitter. Criteria: ACMG Guidelines, 2015. Collection method: clinical testing. Allele origin: germline. Affected: yes. Observed: 1 heterozygote.
Comment: Canonical splice site: predicted to alter splicing and result in a loss or disruption of normal protein function through protein truncation. Multiple pathogenic variants are reported in the predicted truncated region (PVS1_VS).It is not observed in the gnomAD v2.1.1 dataset (PM2_M). Therefore, this variant is classified as likely pathogenic according to the recommendation of ACMG/AMP guideline.